The following is an entry in ClinVar:

ClinVar aggregate classification (germline): Uncertain significance (1 of 4 stars; one submission).

Conditions:
Duchenne muscular dystrophy (DMD). Also called: Duchenne Muscular Dystrophy (DMD); MUSCULAR DYSTROPHY, PSEUDOHYPERTROPHIC PROGRESSIVE, DUCHENNE TYPE. Identifiers: Orphanet 98896, MedGen C0013264, MONDO:0010679, OMIM 310200.

gnomAD v4.1: 3 of 1,209,383 alleles (0.00025%); highest among the groups gnomAD compares: South Asian, 0.0053%; no homozygotes.

Submission:

Labcorp Genetics (formerly Invitae), Labcorp
Classification: Uncertain significance for Duchenne muscular dystrophy. Last evaluated: 2021-09-17. Review status: criteria provided, single submitter. Criteria: Invitae Variant Classification Sherloc (09022015). Collection method: clinical testing. Allele origin: germline.
Comment: This sequence change replaces valine with phenylalanine at codon 307 of the DMD protein (p.Val307Phe). The valine residue is highly conserved and there is a small physicochemical difference between valine and phenylalanine. This variant is not present in population databases (ExAC no frequency). This variant has not been reported in the literature in individuals with DMD-related conditions. Algorithms developed to predict the effect of missense changes on protein structure and function are either unavailable or do not agree on the potential impact of this missense change (SIFT: "Deleterious"; PolyPhen-2: "Possibly Damaging"; Align-GVGD: "Class C0"). In summary, the available evidence is currently insufficient to determine the role of this variant in disease. Therefore, it has been classified as a Variant of Uncertain Significance.

NM_004006.3(DMD):c.919G>T (p.Val307Phe)

Gene: DMD (dystrophin; minus strand). Cytogenetic location: Xp21.1.
Variant type: single nucleotide variant.
Coding change: c.919G>T on transcript NM_004006.3 (MANE Select); coding-DNA position 919, G replaced by T.
Protein change: p.Val307Phe; replaces valine 307 with phenylalanine.
Molecular consequence: missense variant.
Genome position (GRCh38, 1-based): chrX:32,697,911, C>A on the plus strand (G>T on the coding strand, the complement: DMD is on the minus strand). VCF-style: chrX-32697911-C-A. GRCh37 (hg19) VCF-style: chrX-32716028-C-A.
Other names: c.895G>T, p.Val299Phe (NM_000109.4); c.907G>T, p.Val303Phe (NM_004009.3); c.550G>T, p.Val184Phe (NM_004010.3); short protein forms V184F, V303F, V299F, V307F.
Identifiers: ClinVar variation 1495123 (VCV001495123.5), dbSNP rs2147580981, ClinGen allele CA412668493.